The following is an entry in ClinVar:

ClinVar aggregate classification (germline): Uncertain significance. Review status: reviewed by expert panel (3 of 4 stars). 3 submissions from 3 submitters: Uncertain significance (1). 2 of the submissions do not count toward it. Last evaluated 2024-12-06.

Conditions:
Monogenic diabetes. Identifiers: Orphanet 183625, MedGen C3888631, MONDO:0015967.
Maturity-onset diabetes of the young (MODY). Also called: Maturity onset diabetes mellitus in young. Identifiers: Orphanet 552, MedGen C0342276, MONDO:0018911, HP:0004904.

Submissions (3):

ClinGen Monogenic Diabetes Variant Curation Expert Panel
Classification: Uncertain significance for Monogenic diabetes. Last evaluated: 2024-12-06. Review status: reviewed by expert panel. Criteria: ClinGen Diabetes ACMG Specifications HNF4A V2.0.0. Collection method: curation. Allele origin: germline. Inheritance: Autosomal dominant inheritance.
Comment: The c.1063G>A variant in the hepatocyte nuclear factor 4 alpha gene, HNF4A, is predicted to cause an amino acid change of glycine to arginine at codon 355 (p.(Gly355Arg) in transcript NM_175914.5. The variant is absent in gnomAD v2.1.1 (PM2_Supporting). This variant has a REVEL score of 0.565, which is between the ClinGen MDEP thresholds for BP4 and PP3, predicting neither a damaging nor benign impact on HNF4A function. However, the computational splicing predictor SpliceAI gives a score of 0.66 for donor loss, predicting that this variant, located in the last nucleotide of exon 8, disrupts the donor site for intron 8 of HNF4A (PP3 met for splicing predictor). The nucleotide change c.1063G>C, which causes the same amino acid change and is also located in the last nucleotide of exon 8, is predicted to disrupt the donor site for intron 8 of HNF4A with a higher prediction value for donor loss by SpliceAI (0.94) in comparison to c.1063G>C (0.66), and the c.1063G>C variant has not met the criteria to be classified as pathogenic for monogenic diabetes by the ClinGen MDEP. In summary, c.1063G>A meets the criteria to be classified as uncertain significance for monogenic diabetes. ACMG/AMP criteria applied, as specified by the ClinGen MDEP VCEP (specification version 2.0.0, approved 10/11/2023): PP3, PM2_Supporting.

Athena Diagnostics
Classification: Uncertain significance. Last evaluated: 2018-07-02. Review status: criteria provided, single submitter. Criteria: Athena Diagnostics Criteria. Collection method: clinical testing. Allele origin: germline. Not counted in ClinVar's aggregate classification.

Clinical Genomics, Uppaluri K&H Personalized Medicine Clinic
Classification: Likely risk allele for Maturity-onset diabetes of the young. Review status: criteria provided, single submitter. Criteria: K & H Uppaluri Personalized Medicine Clinic Variant Classification & Assertion Criteria_Updated V.1. Collection method: research. Allele origin: unknown. Inheritance: Autosomal dominant inheritance. Not counted in ClinVar's aggregate classification.
Comment: Potent mutations in HNF4A are associated with poor insulin secretion in response to hyperglycemia. Associated with MODY1. Patients initially respond well to sulfonylureas but eventually become insulin dependent. However, more evidence is required to ascertain the role of this particular variant rs1568741527 in MODY, yet.

Literature cited by the submitters: DOI 10.1159/000334532 (cited by Clinical Genomics, Uppaluri K&H Personalized Medicine Clinic); PubMed 18268044 (cited by Clinical Genomics, Uppaluri K&H Personalized Medicine Clinic); PubMed 17563455 (cited by Clinical Genomics, Uppaluri K&H Personalized Medicine Clinic); PubMed 32583173 (cited by Clinical Genomics, Uppaluri K&H Personalized Medicine Clinic); PubMed 35052457 (cited by Clinical Genomics, Uppaluri K&H Personalized Medicine Clinic); PubMed 35118593 (cited by Clinical Genomics, Uppaluri K&H Personalized Medicine Clinic).

NM_175914.5(HNF4A):c.1063G>A (p.Gly355Arg)

Gene: HNF4A (hepatocyte nuclear factor 4 alpha; plus strand). Cytogenetic location: 20q13.12.
Variant type: single nucleotide variant.
Coding change: c.1063G>A on transcript NM_175914.5 (MANE Select); coding-DNA position 1063, G replaced by A.
Protein change: p.Gly355Arg; replaces glycine 355 with arginine.
Molecular consequence: missense variant.
Genome position (GRCh38, 1-based): chr20:44,424,254, G>A. VCF-style: chr20-44424254-G-A. GRCh37 (hg19) VCF-style: chr20-43052894-G-A.
Other names: NM_175914.5(HNF4A):c.1063G>A; p.Gly355Arg; c.1129G>A, p.Gly377Arg (NM_000457.6, NM_178849.3); c.1063G>A, p.Gly355Arg (NM_001030003.3); c.1063G>A, p.Gly355Ser (NM_001030004.3); c.1108G>A, p.Gly370Arg (NM_001258355.2); c.1054G>A, p.Gly352Arg (NM_001287182.2, NM_001287183.2); c.1054G>A, p.Gly352Ser (NM_001287184.2); and 1 more; short protein forms G352R, G355R, G377R, G355S, G377S, G352S, G370R.
Identifiers: ClinVar variation 586011 (VCV000586011.3), dbSNP rs1568741527, ClinGen allele CA409108858.